The following is an entry in ClinVar:

NM_018109.4(MTPAP):c.1072C>T (p.Arg358Trp)

Gene: MTPAP (mitochondrial poly(A) polymerase; minus strand). Cytogenetic location: 10p11.23.
Variant type: single nucleotide variant.
Coding change: c.1072C>T on transcript NM_018109.4 (MANE Select); coding-DNA position 1072, C replaced by T.
Protein change: p.Arg358Trp; replaces arginine 358 with tryptophan.
Molecular consequence: missense variant.
Genome position (GRCh38, 1-based): chr10:30,322,538, G>A on the plus strand (C>T on the coding strand, the complement: MTPAP is on the minus strand). VCF-style: chr10-30322538-G-A. GRCh37 (hg19) VCF-style: chr10-30611467-G-A.
Other names: short protein forms R358W.
Identifiers: ClinVar variation 418340 (VCV000418340.7), dbSNP rs918158750, ClinGen allele CA16618956.
Genomic context (GRCh38, chr10:30,322,538, plus strand): 5'-AATTTGTAATCCATGCACCAGGAATACTACTTGTTAGTGAATGTGCTCGAGCCCAGCACC[G>A]TACACTGAACACCAAGGCTCTCACTCTTGAGTCTAGGGCACCATATATATAAAGGAGTTC-3'
Protein context (NP_060579.3, residues 348-368): SRVRALVFSV[Arg358Trp]CWARAHSLTS

ClinVar aggregate classification (germline): Conflicting classifications of pathogenicity. Review status: criteria provided, conflicting classifications (1 of 4 stars). 3 submissions from 3 submitters: Likely pathogenic (2); Uncertain significance (1). Last evaluated 2023-08-16.

Conditions:
Inborn genetic diseases. Identifiers: MedGen C0950123, MeSH D030342.
Spastic ataxia 4. Identifiers: Orphanet 254343, MedGen C3150925, MONDO:0013354, OMIM 613672.

Allele frequency attached by ClinVar (database versions not stated): gnomAD exomes 0.00001 and below 0.00001.
gnomAD v4.1: 4 of 1,613,916 alleles (0.00025%); highest among the groups gnomAD compares: Admixed American, 0.0017%; no homozygotes.

Submissions (3):

GeneDx
Classification: Likely pathogenic. Last evaluated: 2023-08-16. Review status: criteria provided, single submitter. Criteria: GeneDx Variant Classification Process June 2021. Collection method: clinical testing. Allele origin: germline. Affected: yes.
Comment: In silico analysis supports that this missense variant has a deleterious effect on protein structure/function; Not observed at significant frequency in large population cohorts (gnomAD)

Ambry Genetics
Classification: Uncertain significance for Inborn genetic diseases. Last evaluated: 2017-07-19. Review status: criteria provided, single submitter. Criteria: Ambry exome assertion method (8-5-2015). Collection method: clinical testing. Allele origin: germline. Affected: yes. Observed: 1 variant allele.

Genetics Research Center, University of Social Welfare and Rehabilitation Sciences
Classification: Likely pathogenic for Spastic ataxia 4. Review status: criteria provided, single submitter. Criteria: ACMG Guidelines, 2015. Collection method: research. Allele origin: biparental. Inheritance: Autosomal recessive inheritance. Affected: yes.
Comment: The c.1072C>T; The variant co-segregated with the disease status within the family. The variant allele was found at a very low frequency in 1,461,726 control chromosomes in the GnomAD database, with no homozygous occurrence. Computational prediction tools unanimously support a deleterious effect for this variant. In summary, this variant meets the PM2, PP3, PM3, and PP1 criteria to be classified as likely pathogenic.

Literature cited by the submitters: PubMed 40174712 (cited by Genetics Research Center, University of Social Welfare and Rehabilitation Sciences).